The following is an entry in ClinVar:

NM_002067.5(GNA11):c.547_548delinsTT (p.Arg183Phe)

Gene: GNA11 (G protein subunit alpha 11; plus strand). Cytogenetic location: 19p13.3.
Variant type: Indel.
Coding change: c.547_548delinsTT on transcript NM_002067.5 (MANE Select); coding-DNA positions 547 to 548, CG replaced by TT.
Protein change: p.Arg183Phe; replaces arginine 183 with phenylalanine.
Molecular consequence: missense variant.
Genome position (GRCh38, 1-based): chr19:3,115,014-3,115,015, CG replaced by TT. VCF-style: chr19-3115014-CG-TT. GRCh37 (hg19) VCF-style: chr19-3115012-CG-TT.
Other names: short protein forms R183F.
Identifiers: ClinVar variation 4974575 (VCV004974575.1).

ClinVar aggregate classification (germline): Likely pathogenic (1 of 4 stars; one submission).

Conditions:
Capillary malformation (CMC). Also called: CAPILLARY MALFORMATIONS; Capillary malformations, congenital. Identifiers: Orphanet 211247, MedGen C0340803, MONDO:0016231, HP:0025104.

Submission:

Clinical Genomics Laboratory, Washington University in St. Louis
Classification: Likely pathogenic for Capillary malformation. Last evaluated: 2026-03-25. Review status: criteria provided, single submitter. Criteria: Leon-Quintero et al. (Clin Genet. 2025). Collection method: clinical testing. Allele origin: somatic. Affected: yes.
Comment: A GNA11 c.547_548delinsTT (p.Arg183Phe) variant was identified at an allelic fraction consistent with somatic origin. The GNA11 c.547_548delinsTT (p.Arg183Phe) variant, to our knowledge, has not been reported in the medical literature but is reported as a somatic variant in two cancer cases in the cancer database COSMIC (COSMIC ID: COSV106344437). This variant is absent from the general population (gnomAD v4.1.0), indicating it is not a common variant. The GNA11 c.547_548delinsTT (p.Arg183Phe) variant resides within the GTP-binding site, which is critical for its function and constitutes a mutational hotspot (Conklin BR et al., PMID: 1309740; Van Raamsdonk CD et al., PMID: 21083380; O'Hayre M et al., PMID: 23640210). Other variants in the same codon c.547C>T (p.Arg183Cys) and c.548G>A (p.Arg183His) have been reported in multiple individuals affected with vascular malformations as well as cancers and are considered pathogenic/ likely pathogenic (Thomas A et al., PMID: 26778290; Zhang D et al., PMID: 39654261; Siegel D et al., PMID: 29174369; Polubothu S et al., PMID: 31838126; Beteta-Gorriti V et al., PMID: 34260077; Jordan M et al., PMID: 31726051; ClinVar Variation ID: 548668 and 4279982, COSMIC Genomic Mutation ID COSV50017316 and COSV50030932). Based on available information and an internally developed protocol informed by the ACMG/AMP guidelines for variant interpretation and gene-specific practices from the ClinGen Criteria Specification Registry (Leon-Quintero FZ et al., PMID: 39434542), the GNA11 c.547_548delinsTT (p.Arg183Phe) variant is classified as likely pathogenic.